The following is an entry in ClinVar:

ClinVar aggregate classification (germline): Likely benign. Review status: criteria provided, multiple submitters, no conflicts (2 of 4 stars). 3 submissions from 3 submitters: Likely benign (3). Last evaluated 2025-11-25.

Conditions:
Familial cancer of breast. Also called: BREAST CANCER, FAMILIAL; hereditary breast carcinoma; Hereditary breast cancer. Identifiers: Orphanet 227535, MedGen C0346153, MONDO:0016419, OMIM 114480. Disease mechanism: loss of function.
Hereditary cancer-predisposing syndrome. Also called: Tumor predisposition; Hereditary neoplastic syndrome; Neoplastic Syndromes, Hereditary; Hereditary Cancer Syndrome. Identifiers: Orphanet 140162, MedGen C0027672, MeSH D009386, MONDO:0015356.
Ataxia-telangiectasia syndrome (AT). Also called: Ataxia-telangiectasia, complementation group D; Cerebello-oculocutaneous telangiectasia; Immunodeficiency with ataxia telangiectasia; LOUIS-BAR SYNDROME; Ataxia-telangiectasia; AT, COMPLEMENTATION GROUP C. Identifiers: Orphanet 100, MedGen C0004135, MONDO:0008840, OMIM 208900.

Allele frequency attached by ClinVar (database versions not stated): gnomAD exomes below 0.00001 and 0.00001; TOPMed below 0.00001; ExAC 0.00001.
gnomAD v4.1: 2 of 1,611,980 alleles (0.00012%); highest among the groups gnomAD compares: South Asian, 0.0022%; no homozygotes.

Submissions (3):

Labcorp Genetics (formerly Invitae), Labcorp
Classification: Likely benign for Ataxia-telangiectasia syndrome. Last evaluated: 2025-11-25. Review status: criteria provided, single submitter. Criteria: Invitae Variant Classification Sherloc (09022015). Collection method: clinical testing. Allele origin: germline.

Myriad Genetics, Inc.
Classification: Likely benign for Familial cancer of breast. Last evaluated: 2024-05-15. Review status: criteria provided, single submitter. Criteria: Myriad Autosomal Dominant, Autosomal Recessive and X-Linked Classification Criteria (2023). Collection method: clinical testing. Allele origin: unknown.
Comment: This variant is considered likely benign. This variant is intronic and is not expected to impact mRNA splicing.

Color Diagnostics, LLC DBA Color Health
Classification: Likely benign for Hereditary cancer-predisposing syndrome. Last evaluated: 2018-11-21. Review status: criteria provided, single submitter. Criteria: ACMG Guidelines, 2015. Collection method: clinical testing. Allele origin: germline.

NM_000051.4(ATM):c.3577-12T>C

Gene: ATM (ATM serine/threonine kinase; plus strand). Cytogenetic location: 11q22.3.
Variant type: single nucleotide variant.
Coding change: c.3577-12T>C on transcript NM_000051.4 (MANE Select); 12 bases into the intron before coding-DNA position 3577, T replaced by C.
Molecular consequence: intron variant.
Genome position (GRCh38, 1-based): chr11:108,282,698, T>C. VCF-style: chr11-108282698-T-C. GRCh37 (hg19) VCF-style: chr11-108153425-T-C.
Other names: c.3577-12T>C (NM_001351834.2).
Identifiers: ClinVar variation 927962 (VCV000927962.11), dbSNP rs757616718, ClinGen allele CA6265321.